The following continues an entry in ClinVar:

NM_004004.6(GJB2):c.427C>T (p.Arg143Trp)

Gene: GJB2. ClinVar aggregate classification (germline): Pathogenic/Likely pathogenic. Pathogenic (25); Likely pathogenic (1).

Submissions 18 to 33 of 33:

Laboratory for Molecular Medicine, Mass General Brigham Personalized Medicine
Classification: Pathogenic for Rare genetic deafness. Last evaluated: 2019-05-14. Review status: criteria provided, single submitter. Criteria: ACMG Guidelines, 2015. Collection method: clinical testing. Allele origin: germline. Inheritance: Autosomal recessive inheritance.
Comment: The p.Arg143Trp variant in GJB2 has been reported in many probands with hearing loss (Brobby 1998, Abe 2000, Rabionet 2000, Kenna 2001, Cryns 2004, Chaleshtori 2005, Snoeckx 2005, LMM data). Most of these probands were homozygous or compound heterozygous. It has also been identified in 0.07% (18/24908) of African chromosomes by gnomAD; however, this frequency is low enough to be consistent with a recessive carrier frequency for autosomal recessive nonsyndromic hearing loss. Computational prediction tools and conservation analysis suggest that this variant may impact the protein. Furthermore, in vitro functional studies support an impact on protein function (Meşe 2004, Palmada 2006). In summary, this variant meets criteria to be classified as pathogenic for autosomal recessive hearing loss. ACMG/AMP Criteria applied: PM3_VeryStrong, PS3_Supporting, PP3.

Athena Diagnostics
Classification: Pathogenic. Last evaluated: 2019-03-01. Review status: criteria provided, single submitter. Criteria: Athena Diagnostics Criteria. Collection method: clinical testing. Allele origin: germline.
Comment: The best available variant frequency is uninformative because it is below the disease allele frequency. Statistically enriched in patients compared to ethnically matched controls. Found in at least one symptomatic patient. Predicted to have a damaging effect on the protein. Occurs in three or more cases with a recessive pathogenic variant in the same gene. Damaging to protein function(s) relevant to disease mechanism. Very strong co-segregation with disease, and data include affected and unaffected individuals from multiple families.

Genomic Research Center, Shahid Beheshti University of Medical Sciences
Classification: Pathogenic for Autosomal recessive nonsyndromic hearing loss 1A. Last evaluated: 2018-03-05. Review status: criteria provided, single submitter. Criteria: ACMG Guidelines, 2015. Collection method: clinical testing. Allele origin: inherited. Affected: no. Observed: 1 variant allele.

Genomic Diagnostic Laboratory, Division of Genomic Diagnostics, Children's Hospital of Philadelphia
Classification: Pathogenic for Deafness, autosomal recessive 1A. Last evaluated: 2017-05-09. Review status: criteria provided, single submitter. Criteria: DGD Variant Analysis Guidelines. Collection method: clinical testing. Allele origin: germline. Affected: yes and no. Observed: 4 variant alleles.

Centre for Mendelian Genomics, University Medical Centre Ljubljana
Classification: Pathogenic for Autosomal dominant nonsyndromic hearing loss 3A. Last evaluated: 2016-01-01. Review status: criteria provided, single submitter. Criteria: ACMG Guidelines, 2015. Collection method: clinical testing. Allele origin: unknown. Affected: yes.
Comment: This variant was classified as: Pathogenic.

Eurofins Ntd Llc (ga)
Classification: Pathogenic. Last evaluated: 2015-05-15. Review status: criteria provided, single submitter. Criteria: EGL Classification Definitions 2015. Collection method: clinical testing. Allele origin: germline. Observed: 6 variant alleles, 6 heterozygotes.

Genetic Services Laboratory, University of Chicago
Classification: Pathogenic for Hearing impairment. Last evaluated: 2013-02-08. Review status: criteria provided, single submitter. Criteria: ACMG Guidelines, 2007. Collection method: clinical testing. Allele origin: germline. Inheritance: Autosomal recessive inheritance. Affected: yes.

Center for Genomics, Ann and Robert H. Lurie Children's Hospital of Chicago
Classification: Pathogenic for Palmoplantar keratoderma-deafness syndrome; Autosomal recessive nonsyndromic hearing loss 1A; Autosomal dominant nonsyndromic hearing loss 3A; Autosomal dominant keratitis-ichthyosis-hearing loss syndrome; Knuckle pads, deafness AND leukonychia syndrome; Mutilating keratoderma. Review status: criteria provided, single submitter. Criteria: ACMG Guidelines, 2015. Collection method: clinical testing. Allele origin: germline.
Comment: GJB2 NM_004004.5 exon 2 p.Arg143Trp (c.427C>T): This variant has been reported in the literature in the homozygous or compound heterozygous state in several individuals with nonsyndromic hearing loss, segregating with disease in multiple affected family members (Brobby 1998 PMID:9471561, Abe 2000 PMID:10633133, Maheshwari 2003 PMID:12833397, Cryns 2004 PMID:14985372, Kenna 2010 PMID:20083784, Dodson 2011 PMID:21465647, Abe 2018 PMID:30455902). This variant is present in 0.07% (18/24908) of African alleles in the Genome Aggregation Database. Please note, disease causing variants may be present in control databases at low frequencies, reflective of the general population, carrier status, and/or variable expressivity. This variant is present in ClinVar, with several labs classifying this variant as pathogenic (Variation ID:17009). Evolutionary conservation and computational predictive tools support that this variant may impact the protein. In addition, functional studies have shown that this mutant protein is unable to from functional channels (Palmada 2006 PMID:16300957). However, these studies may not accurately represent in vivo biological function. In summary, this variant is classified as pathogenic based on the data above (segregation studies, impact to protein etc.).

Juno Genomics, Hangzhou Juno Genomics, Inc
Classification: Pathogenic for Mutilating keratoderma; Knuckle pads, deafness AND leukonychia syndrome; Autosomal dominant nonsyndromic hearing loss 3A; Autosomal recessive nonsyndromic hearing loss 1A; Autosomal dominant keratitis-ichthyosis-hearing loss syndrome; Palmoplantar keratoderma-deafness syndrome. Review status: criteria provided, single submitter. Criteria: ACMG Guidelines, 2015. Collection method: clinical testing. Allele origin: germline. Affected: yes.
Comment: Well-established in vitro or in vivo functional studies supportive of a damaging effect on the gene or gene product.;For recessive disorders, detected in trans with a pathogenic variant.;Novel missense change at an amino acid residue where a different missense change determined to be pathogenic has been seen before.

Wonkam Laboratory, Johns Hopkins University
Classification: Pathogenic for Autosomal recessive nonsyndromic hearing loss 1A. Last evaluated: 2024-01-06. Review status: no assertion criteria provided. Collection method: research. Allele origin: unknown. Inheritance: Autosomal recessive inheritance. Affected: yes. Observed: 6 variant alleles. Clinical features observed: Nonsyndromic profound hearing loss. Not counted in ClinVar's aggregate classification.
Comment: The variant NM_004004.6 c.427C>T is a well-established in vitro or in vivo functional studies supportive of a damaging effect on the gene or gene product (PS3), PP1: Cosegregation with disease in multiple affected family members in a gene definitively known to cause the disease (PP1), Reputable source recently reports variant as pathogenic, but the evidence is not available to the laboratory to perform an independent evaluation (PP5), Located in a mutational hot spot and/or critical and well-established functional domain (PM1), Multiple lines of computational evidence support a deleterious effect on the gene or gene product (PP3), Absent from controls (or at extremely low frequency if recessive) in Exome Sequencing Project, 1000 Genomes Project, or Exome Aggregation Consortium (PM2)

Genetic Testing Center for Deafness, Department of Otolaryngology Head & Neck Surgery, Institute of Otolaryngology, Chinese PLA General Hospital
Classification: Likely pathogenic for Autosomal recessive nonsyndromic hearing loss 1A. Last evaluated: 2019-02-26. Review status: no assertion criteria provided. Collection method: case-control. Allele origin: inherited. Affected: yes. Observed: 1 variant allele. Not counted in ClinVar's aggregate classification.

Clinical Molecular Genetics Laboratory, Johns Hopkins All Children's Hospital
Classification: Pathogenic for Hearing loss. Last evaluated: 2014-10-02. Review status: no assertion criteria provided. Collection method: clinical testing. Allele origin: germline. Affected: yes. Not counted in ClinVar's aggregate classification.

OMIM
Classification: Pathogenic for DEAFNESS, AUTOSOMAL RECESSIVE 1A. Last evaluated: 2002-12-01. Review status: no assertion criteria provided. Collection method: literature only. Allele origin: germline. Not counted in ClinVar's aggregate classification.

Clinical Genetics DNA and cytogenetics Diagnostics Lab, Erasmus MC, Erasmus Medical Center
Classification: Pathogenic. Review status: no assertion criteria provided. Collection method: clinical testing. Allele origin: germline. Affected: yes. Study: VKGL Data-share Consensus. Not counted in ClinVar's aggregate classification.

GeneReviews
No classification provided. Condition: Autosomal recessive nonsyndromic hearing loss 1A. Review status: no classification provided. Collection method: literature only. Allele origin: unknown. Not counted in ClinVar's aggregate classification.

Joint Genome Diagnostic Labs from Nijmegen and Maastricht, Radboudumc and MUMC+
Classification: Pathogenic. Review status: no assertion criteria provided. Collection method: clinical testing. Allele origin: germline. Affected: yes. Study: VKGL Data-share Consensus. Not counted in ClinVar's aggregate classification.

Literature cited by the submitters: PubMed 15365987 (cited by Labcorp Genetics (formerly Invitae), Labcorp); PubMed 15617546 (cited by Labcorp Genetics (formerly Invitae), Labcorp); PubMed 18941476 (cited by Labcorp Genetics (formerly Invitae), Labcorp); PubMed 19715472 (cited by Labcorp Genetics (formerly Invitae), Labcorp and Athena Diagnostics); PubMed 23638949 (cited by Labcorp Genetics (formerly Invitae), Labcorp); PubMed 26061264 (cited by Labcorp Genetics (formerly Invitae), Labcorp and Athena Diagnostics); PubMed 27792752 (cited by Labcorp Genetics (formerly Invitae), Labcorp); PubMed 9393973 (cited by Labcorp Genetics (formerly Invitae), Labcorp); PubMed 15235031 (cited by Labcorp Genetics (formerly Invitae), Labcorp); PubMed 10633133 (cited by 5 submitters); PubMed 9471561 (cited by 7 submitters); PubMed 21040787 (cited by Variantyx, Inc.); PubMed 20096356 (cited by Variantyx, Inc.); PubMed 15666300 (cited by Natera, Inc.); PubMed 21465647 (cited by Natera, Inc. and Athena Diagnostics); PubMed 11439000 (cited by 3 submitters); PubMed 10982180 (cited by 4 submitters); PubMed 16300957 (cited by 4 submitters); PubMed 26095810 (cited by Women's Health and Genetics/Laboratory Corporation of America, LabCorp and Athena Diagnostics); PubMed 12792423 (cited by Victorian Clinical Genetics Services, Murdoch Childrens Research Institute); PubMed 28428247 (cited by Victorian Clinical Genetics Services, Murdoch Childrens Research Institute); PubMed 20301449 (cited by Victorian Clinical Genetics Services, Murdoch Childrens Research Institute and GeneReviews); PubMed 31160754 (cited by Victorian Clinical Genetics Services, Murdoch Childrens Research Institute); PubMed 38730444 (cited by Victorian Clinical Genetics Services, Murdoch Childrens Research Institute); PubMed 14985372 (cited by 3 submitters); PubMed 11556849 (cited by INGEBI, INGEBI / CONICET and Laboratory for Molecular Medicine, Mass General Brigham Personalized Medicine); PubMed 24158611 (cited by INGEBI, INGEBI / CONICET); PubMed 12562518 (cited by Myriad Genetics, Inc.); PubMed 15241677 (cited by 4 submitters); PubMed 16380907 (cited by Laboratory for Molecular Medicine, Mass General Brigham Personalized Medicine and Athena Diagnostics); PubMed 12560944 (cited by Athena Diagnostics); PubMed 19366456 (cited by Athena Diagnostics); PubMed 12457154 (cited by 3 submitters); PubMed 17581693 (cited by Athena Diagnostics); PubMed 26043044 (cited by Athena Diagnostics); PubMed 26178431 (cited by Athena Diagnostics); PubMed 22498363 (cited by Athena Diagnostics); PubMed 26330914 (cited by Athena Diagnostics); PubMed 19043807 (cited by Athena Diagnostics); PubMed 28489599 (cited by Athena Diagnostics); PubMed 20497192 (cited by Athena Diagnostics); PubMed 21112098 (cited by Athena Diagnostics); PubMed 22695344 (cited by Athena Diagnostics); PubMed 12167443 (cited by Athena Diagnostics); PubMed 20086306 (cited by Athena Diagnostics); PubMed 27057829 (cited by Athena Diagnostics); PubMed 20381175 (cited by Athena Diagnostics); PubMed 20201936 (cited by Athena Diagnostics); PubMed 12833397 (cited by Athena Diagnostics); PubMed 23900770 (cited by Athena Diagnostics); PubMed 15700112 (cited by Athena Diagnostics); PubMed 20708129 (cited by Athena Diagnostics); PubMed 11788148 (cited by Athena Diagnostics); PubMed 20022641 (cited by Athena Diagnostics); PubMed 22701767 (cited by Athena Diagnostics); PubMed 17426645 (cited by Athena Diagnostics); PubMed 23477838 (cited by Athena Diagnostics); PubMed 16712961 (cited by Athena Diagnostics); PubMed 23637863 (cited by Athena Diagnostics); PubMed 25288386 (cited by Athena Diagnostics); PubMed 12081719 (cited by Athena Diagnostics); PubMed 24256046 (cited by Athena Diagnostics); PubMed 14722929 (cited by Athena Diagnostics); PubMed 22567152 (cited by Athena Diagnostics); PubMed 25085072 (cited by Athena Diagnostics); PubMed 28271504 (cited by Athena Diagnostics); PubMed 35336849 (cited by Wonkam Laboratory, Johns Hopkins University); PubMed 32012697 (cited by Wonkam Laboratory, Johns Hopkins University); PubMed 29871260 (cited by Wonkam Laboratory, Johns Hopkins University); NCBI Bookshelf NBK1272 (cited by GeneReviews).